The following is an entry in ClinVar:

ClinVar aggregate classification (germline): Conflicting classifications of pathogenicity. Review status: criteria provided, conflicting classifications (1 of 4 stars). 2 submissions from 2 submitters: Likely pathogenic (1); Uncertain significance (1). Last evaluated 2024-05-14.

Allele frequency attached by ClinVar (database versions not stated): gnomAD exomes 0.00001; ExAC 0.00002; TOPMed 0.00002.
gnomAD v4.1: 8 of 1,614,042 alleles (0.0005%); highest among the groups gnomAD compares: Middle Eastern, 0.016%; no homozygotes.

Submissions (2):

GeneDx
Classification: Likely pathogenic. Last evaluated: 2024-05-14. Review status: criteria provided, single submitter. Criteria: GeneDx Variant Classification Process June 2021. Collection method: clinical testing. Allele origin: germline. Affected: yes.
Comment: In silico analysis supports that this missense variant has a deleterious effect on protein structure/function; Not observed at significant frequency in large population cohorts (gnomAD); Has not been previously published as pathogenic or benign to our knowledge

Labcorp Genetics (formerly Invitae), Labcorp
Classification: Uncertain significance. Last evaluated: 2022-05-14. Review status: criteria provided, single submitter. Criteria: Invitae Variant Classification Sherloc (09022015). Collection method: clinical testing. Allele origin: germline.
Comment: This sequence change replaces valine, which is neutral and non-polar, with alanine, which is neutral and non-polar, at codon 1154 of the ABCC6 protein (p.Val1154Ala). This variant is present in population databases (rs775707011, gnomAD 0.003%). This variant has not been reported in the literature in individuals affected with ABCC6-related conditions. Advanced modeling of protein sequence and biophysical properties (such as structural, functional, and spatial information, amino acid conservation, physicochemical variation, residue mobility, and thermodynamic stability) performed at Invitae indicates that this missense variant is not expected to disrupt ABCC6 protein function. Algorithms developed to predict the effect of sequence changes on RNA splicing suggest that this variant may create or strengthen a splice site. In summary, the available evidence is currently insufficient to determine the role of this variant in disease. Therefore, it has been classified as a Variant of Uncertain Significance.

NM_001171.6(ABCC6):c.3461T>C (p.Val1154Ala)

Gene: ABCC6 (ATP binding cassette subfamily C member 6; minus strand). Cytogenetic location: 16p13.11.
Variant type: single nucleotide variant.
Coding change: c.3461T>C on transcript NM_001171.6 (MANE Select); coding-DNA position 3461, T replaced by C.
Protein change: p.Val1154Ala; replaces valine 1154 with alanine.
Molecular consequence: missense variant.
Genome position (GRCh38, 1-based): chr16:16,163,038, A>G on the plus strand (T>C on the coding strand, the complement: ABCC6 is on the minus strand). VCF-style: chr16-16163038-A-G. GRCh37 (hg19) VCF-style: chr16-16256895-A-G.
Other names: c.3119T>C, p.Val1040Ala (NM_001351800.1); c.3461T>C (NM_001171.5); short protein forms V1040A, V1154A.
Identifiers: ClinVar variation 1476091 (VCV001476091.4), dbSNP rs775707011, ClinGen allele CA7925575.